The following is an entry in ClinVar:

ClinVar aggregate classification (germline): Uncertain significance. Review status: criteria provided, multiple submitters, no conflicts (2 of 4 stars). 3 submissions from 3 submitters: Uncertain significance (3). Last evaluated 2026-01-04.

Conditions:
Catecholaminergic polymorphic ventricular tachycardia (CVPT). Also called: Catecholamine-induced polymorphic ventricular tachycardia. Identifiers: Orphanet 3286, MedGen C5574922, MONDO:0017990.
Catecholaminergic polymorphic ventricular tachycardia 1. Also called: RYR2-Related Catecholaminergic Polymorphic Ventricular Tachycardia; VENTRICULAR TACHYCARDIA, CATECHOLAMINERGIC POLYMORPHIC, 1, WITH OR WITHOUT ATRIAL DYSFUNCTION AND/OR DILATED CARDIOMYOPATHY; VENTRICULAR TACHYCARDIA, STRESS-INDUCED POLYMORPHIC 1. Identifiers: Orphanet 3286, MedGen C1631597, MONDO:0011484, OMIM 604772.

Submissions (3):

Labcorp Genetics (formerly Invitae), Labcorp
Classification: Uncertain significance for Catecholaminergic polymorphic ventricular tachycardia 1. Last evaluated: 2026-01-04. Review status: criteria provided, single submitter. Criteria: Invitae Variant Classification Sherloc (09022015). Collection method: clinical testing. Allele origin: germline.
Comment: This sequence change replaces histidine, which is basic and polar, with proline, which is neutral and non-polar, at codon 240 of the RYR2 protein (p.His240Pro). This variant is not present in population databases (gnomAD no frequency). This variant has not been reported in the literature in individuals affected with RYR2-related conditions. ClinVar contains an entry for this variant (Variation ID: 201199). Invitae Evidence Modeling of protein sequence and biophysical properties (such as structural, functional, and spatial information, amino acid conservation, physicochemical variation, residue mobility, and thermodynamic stability) has been performed for this missense variant. However, the output from this modeling did not meet the statistical confidence thresholds required to predict the impact of this variant on RYR2 protein function. In summary, the available evidence is currently insufficient to determine the role of this variant in disease. Therefore, it has been classified as a Variant of Uncertain Significance.

All of Us Research Program, National Institutes of Health
Classification: Uncertain significance for Catecholaminergic polymorphic ventricular tachycardia. Last evaluated: 2023-03-28. Review status: criteria provided, single submitter. Criteria: ACMG Guidelines, 2015. Collection method: clinical testing. Allele origin: germline. Inheritance: Autosomal dominant inheritance. Observed: 1 variant allele, 1 heterozygote.
Comment: This study involves interpretation of variants in research participants for the purpose of population health screening. Participant phenotype was not available at the time of variant classification. Additional details can be found in publication PMID: 35346344, PMCID: PMC8962531

GeneDx
Classification: Uncertain significance. Last evaluated: 2022-10-04. Review status: criteria provided, single submitter. Criteria: GeneDx Variant Classification Process June 2021. Collection method: clinical testing. Allele origin: germline. Affected: yes.
Comment: Not observed at significant frequency in large population cohorts (gnomAD); In silico analysis supports that this missense variant has a deleterious effect on protein structure/function; Has not been previously published as pathogenic or benign to our knowledge; Located in one of the three hot-spot regions of the RYR2 gene, where the majority of pathogenic missense variants occur (Medeiros-Domingo et al., 2009); This variant is associated with the following publications: (PMID: 19926015)

NM_001035.3(RYR2):c.719A>C (p.His240Pro)

Gene: RYR2 (ryanodine receptor 2; plus strand). Cytogenetic location: 1q43.
Variant type: single nucleotide variant.
Coding change: c.719A>C on transcript NM_001035.3 (MANE Select); coding-DNA position 719, A replaced by C.
Protein change: p.His240Pro; replaces histidine 240 with proline.
Molecular consequence: missense variant.
Genome position (GRCh38, 1-based): chr1:237,388,129, A>C. VCF-style: chr1-237388129-A-C. GRCh37 (hg19) VCF-style: chr1-237551429-A-C.
Other names: p.H240P:CAC>CCC; c.719A>C, p.His240Pro (LRG_402t1); short protein forms H240P.
Identifiers: ClinVar variation 201199 (VCV000201199.6), dbSNP rs369512347, ClinGen allele CA010608.